The following is an entry in ClinVar:

NM_032790.4(ORAI1):c.709A>G (p.Ile237Val)

Gene: ORAI1 (ORAI calcium release-activated calcium modulator 1; plus strand). Cytogenetic location: 12q24.31.
Variant type: single nucleotide variant.
Coding change: c.709A>G on transcript NM_032790.4 (MANE Select); coding-DNA position 709, A replaced by G.
Protein change: p.Ile237Val; replaces isoleucine 237 with valine.
Molecular consequence: missense variant. On other transcripts: non-coding transcript variant (1).
Genome position (GRCh38, 1-based): chr12:121,641,446, A>G. VCF-style: chr12-121641446-A-G. GRCh37 (hg19) VCF-style: chr12-122079352-A-G.
Other names: short protein forms I237V.
Identifiers: ClinVar variation 2926111 (VCV002926111.3), dbSNP rs1298307750, ClinGen allele CA386984232.

ClinVar aggregate classification (germline): Uncertain significance (1 of 4 stars; one submission).

Conditions:
Myopathy, tubular aggregate, 2 (TAM2). Identifiers: MedGen C4014557, MONDO:0014383, OMIM 615883.
Combined immunodeficiency due to ORAI1 deficiency. Also called: IMMUNODEFICIENCY 9. Identifiers: Orphanet 169090, Orphanet 317428, MedGen C2748568, MONDO:0013007, OMIM 612782.

Allele frequency attached by ClinVar (database versions not stated): gnomAD exomes 0.00001; gnomAD 0.00002; TOPMed 0.00003.

Submission:

Labcorp Genetics (formerly Invitae), Labcorp
Classification: Uncertain significance for Myopathy, tubular aggregate, 2; Combined immunodeficiency due to ORAI1 deficiency. Last evaluated: 2025-01-27. Review status: criteria provided, single submitter. Criteria: Invitae Variant Classification Sherloc (09022015). Collection method: clinical testing. Allele origin: germline.
Comment: This sequence change replaces isoleucine, which is neutral and non-polar, with valine, which is neutral and non-polar, at codon 237 of the ORAI1 protein (p.Ile237Val). This variant is present in population databases (no rsID available, gnomAD 0.002%). This variant has not been reported in the literature in individuals affected with ORAI1-related conditions. ClinVar contains an entry for this variant (Variation ID: 2926111). Experimental studies and prediction algorithms are not available or were not evaluated, and the functional significance of this variant is currently unknown. In summary, the available evidence is currently insufficient to determine the role of this variant in disease. Therefore, it has been classified as a Variant of Uncertain Significance.